The following is an entry in ClinVar:

ClinVar aggregate classification (germline): Uncertain significance (1 of 4 stars; one submission).

Allele frequency attached by ClinVar (database versions not stated): TOPMed below 0.00001; ExAC 0.00001; gnomAD 0.00001.
gnomAD v4.1: 2 of 1,541,760 alleles (0.00013%); highest among the groups gnomAD compares: African/African-American, 0.003%; no homozygotes.

Submission:

GeneDx
Classification: Uncertain significance. Last evaluated: 2022-04-07. Review status: criteria provided, single submitter. Criteria: GeneDx Variant Classification Process June 2021. Collection method: clinical testing. Allele origin: germline. Affected: yes.
Comment: In silico analysis supports that this missense variant has a deleterious effect on protein structure/function; Has not been previously published as pathogenic or benign to our knowledge

NM_016628.5(WAC):c.376G>C (p.Asp126His)

Gene: WAC (WW domain containing adaptor with coiled-coil; plus strand). Cytogenetic location: 10p12.1.
Variant type: single nucleotide variant.
Coding change: c.376G>C on transcript NM_016628.5 (MANE Select); coding-DNA position 376, G replaced by C.
Protein change: p.Asp126His; replaces aspartic acid 126 with histidine.
Molecular consequence: missense variant.
Genome position (GRCh38, 1-based): chr10:28,583,500, G>C. VCF-style: chr10-28583500-G-C. GRCh37 (hg19) VCF-style: chr10-28872429-G-C.
Other names: c.241G>C, p.Asp81His (NM_100264.3); c.376G>C, p.Asp126His (NM_100486.4); short protein forms D126H, D81H.
Identifiers: ClinVar variation 1708751 (VCV001708751.2), dbSNP rs750794271, ClinGen allele CA5454761.